The following is an entry in ClinVar:

NM_000487.6(ARSA):c.465+3A>G

Gene: ARSA (arylsulfatase A; minus strand). Cytogenetic location: 22q13.33.
Variant type: single nucleotide variant.
Coding change: c.465+3A>G on transcript NM_000487.6 (MANE Select); 3 bases into the intron after coding-DNA position 465, A replaced by G.
Molecular consequence: intron variant.
Genome position (GRCh38, 1-based): chr22:50,627,163, T>C on the plus strand (A>G on the coding strand, the complement: ARSA is on the minus strand). VCF-style: chr22-50627163-T-C. GRCh37 (hg19) VCF-style: chr22-51065591-T-C.
Other names: c.207+3A>G (NM_001362782.2, NM_001085428.3); c.465+3A>G (NM_001085427.3, NM_001085426.3, NM_001085425.3).
Identifiers: ClinVar variation 1021726 (VCV001021726.6), dbSNP rs2082686619, ClinGen allele CA2410959461.

ClinVar aggregate classification (germline): Uncertain significance (1 of 4 stars; one submission).

Conditions:
Metachromatic leukodystrophy (MLD). Also called: ARSA DEFICIENCY; CEREBROSIDE SULFATASE DEFICIENCY; Arylsulfatase A Deficiency; Cerebral sclerosis diffuse metachromatic form; METACHROMATIC LEUKOENCEPHALOPATHY; SULFATIDE LIPIDOSIS. Identifiers: Orphanet 512, MedGen C0023522, MONDO:0018868, OMIM 250100.

Submission:

Labcorp Genetics (formerly Invitae), Labcorp
Classification: Uncertain significance for Metachromatic leukodystrophy. Last evaluated: 2023-11-27. Review status: criteria provided, single submitter. Criteria: Invitae Variant Classification Sherloc (09022015). Collection method: clinical testing. Allele origin: germline.
Comment: This sequence change falls in intron 2 of the ARSA gene. It does not directly change the encoded amino acid sequence of the ARSA protein. It affects a nucleotide within the consensus splice site. This variant is not present in population databases (gnomAD no frequency). This variant has not been reported in the literature in individuals affected with ARSA-related conditions. ClinVar contains an entry for this variant (Variation ID: 1021726). Variants that disrupt the consensus splice site are a relatively common cause of aberrant splicing (PMID: 17576681, 9536098). Algorithms developed to predict the effect of sequence changes on RNA splicing suggest that this variant may disrupt the consensus splice site. In summary, the available evidence is currently insufficient to determine the role of this variant in disease. Therefore, it has been classified as a Variant of Uncertain Significance.

Literature cited by the submitters: PubMed 17576681; PubMed 9536098.